The following is an entry in ClinVar:

NM_007286.6(SYNPO):c.1933A>G (p.Ile645Val)

Gene: SYNPO (synaptopodin; plus strand). Cytogenetic location: 5q33.1.
Variant type: single nucleotide variant.
Coding change: c.1933A>G on transcript NM_007286.6 (MANE Select); coding-DNA position 1933, A replaced by G.
Protein change: p.Ile645Val; replaces isoleucine 645 with valine.
Molecular consequence: missense variant.
Genome position (GRCh38, 1-based): chr5:150,650,208, A>G. VCF-style: chr5-150650208-A-G. GRCh37 (hg19) VCF-style: chr5-150029770-A-G.
Other names: c.1933A>G, p.Ile645Val (NM_001109974.3); c.2665A>G, p.Ile889Val (NM_001166208.2, NM_001166209.2); short protein forms I645V, I889V.
Identifiers: ClinVar variation 2799276 (VCV002799276.3), dbSNP rs1758316996, ClinGen allele CA361784462.

ClinVar aggregate classification (germline): Uncertain significance (1 of 4 stars; one submission).

Submission:

Labcorp Genetics (formerly Invitae), Labcorp
Classification: Uncertain significance. Last evaluated: 2022-12-25. Review status: criteria provided, single submitter. Criteria: Invitae Variant Classification Sherloc (09022015). Collection method: clinical testing. Allele origin: germline.
Comment: This sequence change replaces isoleucine, which is neutral and non-polar, with valine, which is neutral and non-polar, at codon 645 of the SYNPO protein (p.Ile645Val). This variant is not present in population databases (gnomAD no frequency). This variant has not been reported in the literature in individuals affected with SYNPO-related conditions. Algorithms developed to predict the effect of missense changes on protein structure and function output the following: SIFT: "Tolerated"; PolyPhen-2: "Benign"; Align-GVGD: "Class C0". The valine amino acid residue is found in multiple mammalian species, which suggests that this missense change does not adversely affect protein function. In summary, the available evidence is currently insufficient to determine the role of this variant in disease. Therefore, it has been classified as a Variant of Uncertain Significance.